The following is an entry in ClinVar:

NM_017849.4(TMEM127):c.598C>T (p.Pro200Ser)

Gene: TMEM127 (transmembrane protein 127; minus strand). Cytogenetic location: 2q11.2.
Variant type: single nucleotide variant.
Coding change: c.598C>T on transcript NM_017849.4 (MANE Select); coding-DNA position 598, C replaced by T.
Protein change: p.Pro200Ser; replaces proline 200 with serine.
Molecular consequence: missense variant.
Genome position (GRCh38, 1-based): chr2:96,253,927, G>A on the plus strand (C>T on the coding strand, the complement: TMEM127 is on the minus strand). VCF-style: chr2-96253927-G-A. GRCh37 (hg19) VCF-style: chr2-96919665-G-A.
Other names: c.598C>T, p.Pro200Ser (NM_001193304.3); short protein forms P200S.
Identifiers: ClinVar variation 532527 (VCV000532527.20), dbSNP rs200351681, ClinGen allele CA52411978.

ClinVar aggregate classification (germline): Uncertain significance. Review status: criteria provided, multiple submitters, no conflicts (2 of 4 stars). 4 submissions from 4 submitters: Uncertain significance (4). Last evaluated 2025-10-21.

Conditions:
Hereditary pheochromocytoma and paraganglioma. Also called: Hereditary Paraganglioma-Pheochromocytoma Syndromes; Hereditary paragangliomas and pheochromocytomas; Hereditary pheochromocytoma-paraganglioma. Identifiers: Orphanet 29072, MedGen C4274332, MONDO:0017366.
Hereditary cancer-predisposing syndrome. Also called: Neoplastic Syndromes, Hereditary; Hereditary Cancer Syndrome; Tumor predisposition; Hereditary neoplastic syndrome. Identifiers: Orphanet 140162, MedGen C0027672, MeSH D009386, MONDO:0015356.

Submissions (4):

Ambry Genetics
Classification: Uncertain significance for Hereditary cancer-predisposing syndrome. Last evaluated: 2025-10-21. Review status: criteria provided, single submitter. Criteria: Ambry Variant Classification Scheme 2023. Collection method: clinical testing. Allele origin: germline.

Labcorp Genetics (formerly Invitae), Labcorp
Classification: Uncertain significance for Hereditary pheochromocytoma and paraganglioma. Last evaluated: 2024-12-21. Review status: criteria provided, single submitter. Criteria: Invitae Variant Classification Sherloc (09022015). Collection method: clinical testing. Allele origin: germline.
Comment: This sequence change replaces proline, which is neutral and non-polar, with serine, which is neutral and polar, at codon 200 of the TMEM127 protein (p.Pro200Ser). The frequency data for this variant in the population databases is considered unreliable, as metrics indicate poor data quality at this position in the gnomAD database. This variant has not been reported in the literature in individuals affected with TMEM127-related conditions. ClinVar contains an entry for this variant (Variation ID: 532527). An algorithm developed to predict the effect of missense changes on protein structure and function (PolyPhen-2) suggests that this variant is likely to be disruptive. In summary, the available evidence is currently insufficient to determine the role of this variant in disease. Therefore, it has been classified as a Variant of Uncertain Significance.

GeneDx
Classification: Uncertain significance. Last evaluated: 2023-11-30. Review status: criteria provided, single submitter. Criteria: GeneDx Variant Classification Process June 2021. Collection method: clinical testing. Allele origin: germline. Affected: yes.
Comment: Not observed at significant frequency in large population cohorts (gnomAD); In silico analysis supports that this missense variant has a deleterious effect on protein structure/function; Has not been previously published as pathogenic or benign to our knowledge

Genetic Services Laboratory, University of Chicago
Classification: Uncertain significance. Last evaluated: 2019-07-24. Review status: criteria provided, single submitter. Criteria: ACMG Guidelines, 2015. Collection method: clinical testing. Allele origin: germline. Affected: no.